The following is an entry in ClinVar:

ClinVar aggregate classification (germline): Uncertain significance (1 of 4 stars; one submission).

Conditions:
POLD1-related polyposis and colorectal cancer syndrome (CRCS10). Also called: Colorectal cancer 10; COLORECTAL CANCER, SUSCEPTIBILITY TO, ON CHROMOSOME 19q; Colorectal cancer, susceptibility to, 10. Identifiers: Orphanet 220460, MedGen C2675481, MONDO:0012953, OMIM 612591.

gnomAD v4.1: 1 of 1,553,790 alleles (0.000064%); highest among the groups gnomAD compares: South Asian, 0.0012%; no homozygotes.

Submission:

Labcorp Genetics (formerly Invitae), Labcorp
Classification: Uncertain significance for POLD1-related polyposis and colorectal cancer syndrome. Last evaluated: 2023-10-04. Review status: criteria provided, single submitter. Criteria: Invitae Variant Classification Sherloc (09022015). Collection method: clinical testing. Allele origin: germline.
Comment: This sequence change replaces arginine, which is basic and polar, with glycine, which is neutral and non-polar, at codon 1032 of the POLD1 protein (p.Arg1032Gly). This variant is not present in population databases (gnomAD no frequency). This variant has not been reported in the literature in individuals affected with POLD1-related conditions. Advanced modeling of protein sequence and biophysical properties (such as structural, functional, and spatial information, amino acid conservation, physicochemical variation, residue mobility, and thermodynamic stability) performed at Invitae indicates that this missense variant is not expected to disrupt POLD1 protein function. In summary, the available evidence is currently insufficient to determine the role of this variant in disease. Therefore, it has been classified as a Variant of Uncertain Significance.

NM_002691.4(POLD1):c.3094C>G (p.Arg1032Gly)

Gene: POLD1 (DNA polymerase delta 1, catalytic subunit; plus strand). Cytogenetic location: 19q13.33.
Variant type: single nucleotide variant.
Coding change: c.3094C>G on transcript NM_002691.4 (MANE Select); coding-DNA position 3094, C replaced by G.
Protein change: p.Arg1032Gly; replaces arginine 1032 with glycine.
Molecular consequence: missense variant. On other transcripts: non-coding transcript variant (1).
Genome position (GRCh38, 1-based): chr19:50,417,071, C>G. VCF-style: chr19-50417071-C-G. GRCh37 (hg19) VCF-style: chr19-50920328-C-G.
Other names: c.3094C>G, p.Arg1032Gly (NM_001256849.1); c.3172C>G, p.Arg1058Gly (NM_001308632.1); short protein forms R1032G, R1058G.
Identifiers: ClinVar variation 2885259 (VCV002885259.3), dbSNP rs760766848, ClinGen allele CA406987112.